The following is an entry in ClinVar:

NM_006361.6(HOXB13):c.803G>A (p.Arg268Gln)

Gene: HOXB13 (homeobox B13; minus strand). Cytogenetic location: 17q21.32.
Variant type: single nucleotide variant.
Coding change: c.803G>A on transcript NM_006361.6 (MANE Select); coding-DNA position 803, G replaced by A.
Protein change: p.Arg268Gln; replaces arginine 268 with glutamine.
Molecular consequence: missense variant.
Genome position (GRCh38, 1-based): chr17:48,726,842, C>T on the plus strand (G>A on the coding strand, the complement: HOXB13 is on the minus strand). VCF-style: chr17-48726842-C-T. GRCh37 (hg19) VCF-style: chr17-46804204-C-T.
Other names: short protein forms R268Q.
Identifiers: ClinVar variation 483500 (VCV000483500.17), dbSNP rs748782183, ClinGen allele CA8633906.

ClinVar aggregate classification (germline): Uncertain significance. Review status: criteria provided, multiple submitters, no conflicts (2 of 4 stars). 4 submissions from 4 submitters: Uncertain significance (4). Last evaluated 2025-11-10.

Conditions:
Hereditary cancer-predisposing syndrome. Also called: Neoplastic Syndromes, Hereditary; Tumor predisposition; Hereditary Cancer Syndrome; Hereditary neoplastic syndrome. Identifiers: Orphanet 140162, MedGen C0027672, MeSH D009386, MONDO:0015356.

Allele frequency attached by ClinVar (database versions not stated): TOPMed below 0.00001; ExAC 0.00002; gnomAD 0.00002.
gnomAD v4.1: 29 of 1,614,016 alleles (0.0018%); highest among the groups gnomAD compares: Non-Finnish European, 0.0025%; no homozygotes.

Submissions (4):

Labcorp Genetics (formerly Invitae), Labcorp
Classification: Uncertain significance. Last evaluated: 2025-11-10. Review status: criteria provided, single submitter. Criteria: Invitae Variant Classification Sherloc (09022015). Collection method: clinical testing. Allele origin: germline.
Comment: This sequence change replaces arginine, which is basic and polar, with glutamine, which is neutral and polar, at codon 268 of the HOXB13 protein (p.Arg268Gln). This variant is not present in population databases (gnomAD no frequency). This missense change has been observed in individual(s) with breast cancer (PMID: 32546843). ClinVar contains an entry for this variant (Variation ID: 483500). Invitae Evidence Modeling of protein sequence and biophysical properties (such as structural, functional, and spatial information, amino acid conservation, physicochemical variation, residue mobility, and thermodynamic stability) indicates that this missense variant is expected to disrupt HOXB13 protein function with a positive predictive value of 80%. In summary, the available evidence is currently insufficient to determine the role of this variant in disease. Therefore, it has been classified as a Variant of Uncertain Significance.

Ambry Genetics
Classification: Uncertain significance for Hereditary cancer-predisposing syndrome. Last evaluated: 2025-01-01. Review status: criteria provided, single submitter. Criteria: Ambry Variant Classification Scheme 2023. Collection method: clinical testing. Allele origin: germline.
Comment: The p.R268Q variant (also known as c.803G>A), located in coding exon 2 of the HOXB13 gene, results from a G to A substitution at nucleotide position 803. The arginine at codon 268 is replaced by glutamine, an amino acid with highly similar properties. In a Dutch case-control study, this alteration was reported in 1/1206 non-BRCA1/2 familial breast cancer cases and 0/765 controls (Liu J et al. Sci Rep. 2016 Jul;6:30026). This amino acid position is highly conserved in available vertebrate species. In addition, this alteration is predicted to be deleterious by in silico analysis. Since supporting evidence is limited at this time, the clinical significance of this alteration remains unclear.

Quest Diagnostics Nichols Institute San Juan Capistrano
Classification: Uncertain significance. Last evaluated: 2024-01-25. Review status: criteria provided, single submitter. Criteria: Quest Diagnostics criteria. Collection method: clinical testing. Allele origin: unknown.
Comment: The HOXB13 c.803G>A (p.Arg268Gln) variant has been reported in the published literature in individuals with breast cancer (PMID: 27424772 (2016), 32546843 (2020)) as well as in reportedly healthy individuals (PMID: 32546843 (2020)). This variant has not been reported in large, multi-ethnic general populations (Genome Aggregation Database). Analysis of this variant using bioinformatics tools for the prediction of the effect of amino acid changes on protein structure and function yielded predictions that this variant is damaging. Additional analysis using software algorithms for the prediction of the effect of nucleotide changes on HOXB13 mRNA splicing yielded predictions that this variant may result in the gain of a cryptic splice site without affecting the natural splice sites. Based on the available information, we are unable to determine the clinical significance of this variant.

GeneDx
Classification: Uncertain significance. Last evaluated: 2023-12-28. Review status: criteria provided, single submitter. Criteria: GeneDx Variant Classification Process June 2021. Collection method: clinical testing. Allele origin: germline. Affected: yes.
Comment: Not observed at significant frequency in large population cohorts (gnomAD); In silico analysis supports that this missense variant has a deleterious effect on protein structure/function; Observed in individuals with breast cancer as well as unaffected controls (PMID: 27424772, 32546843); This variant is associated with the following publications: (PMID: 19389631, 8756292, 27424772, 32546843)

Literature cited by the submitters: PubMed 32546843 (cited by Labcorp Genetics (formerly Invitae), Labcorp and Quest Diagnostics Nichols Institute San Juan Capistrano); PubMed 27424772 (cited by Ambry Genetics and Quest Diagnostics Nichols Institute San Juan Capistrano).